The following is an entry in ClinVar:

ClinVar aggregate classification (germline): Likely benign (1 of 4 stars; one submission).

Submission:

CeGaT Center for Human Genetics Tuebingen
Classification: Likely benign. Last evaluated: 2023-04-01. Review status: criteria provided, single submitter. Criteria: CeGaT Center For Human Genetics Tuebingen Variant Classification Criteria Version 2. Collection method: clinical testing. Allele origin: germline. Affected: yes. Observed: 2 variant alleles.
Comment: RYR1: PM2:Supporting, BP4, BP7

NM_000540.3(RYR1):c.6730C>A (p.Arg2244=)

Gene: RYR1 (ryanodine receptor 1; plus strand). Cytogenetic location: 19q13.2.
Variant type: single nucleotide variant.
Coding change: c.6730C>A on transcript NM_000540.3 (MANE Select); coding-DNA position 6730, C replaced by A.
Protein change: p.Arg2244=; no amino-acid change (arginine 2244 retained).
Molecular consequence: synonymous variant.
Genome position (GRCh38, 1-based): chr19:38,496,475, C>A. VCF-style: chr19-38496475-C-A. GRCh37 (hg19) VCF-style: chr19-38987115-C-A.
Other names: c.6730C>A, p.Arg2244= (NM_001042723.2).
Identifiers: ClinVar variation 2571042 (VCV002571042.27), dbSNP rs772753793, ClinGen allele CA507353671.
Genomic context (GRCh38, chr19:38,496,475, plus strand): 5'-CGCTTCCCCAAGATGGTGACAAGCTGCTGCCGCTTCCTCTGCTATTTCTGCCGAATCAGC[C>A]GGCAGAACCAGCGCTCCATGTTTGACCACCTGAGCTACCTGCTGGAGAACAGTGGCATCG-3'
Protein context (NP_000531.2, residues 2234-2254): RFLCYFCRIS[Arg2244=]QNQRSMFDHL